The following is an entry in ClinVar:

NM_182961.4(SYNE1):c.225G>C (p.Leu75=)

Gene: SYNE1 (spectrin repeat containing nuclear envelope protein 1; minus strand). Cytogenetic location: 6q25.2.
Variant type: single nucleotide variant.
Coding change: c.225G>C on transcript NM_182961.4 (MANE Select); coding-DNA position 225, G replaced by C.
Protein change: p.Leu75=; no amino-acid change (leucine 75 retained).
Molecular consequence: synonymous variant.
Genome position (GRCh38, 1-based): chr6:152,526,080, C>G on the plus strand (G>C on the coding strand, the complement: SYNE1 is on the minus strand). VCF-style: chr6-152526080-C-G. GRCh37 (hg19) VCF-style: chr6-152847215-C-G.
Other names: c.225G>C, p.Leu75= (NM_033071.5).
Identifiers: ClinVar variation 2577173 (VCV002577173.1), dbSNP rs1205399326, ClinGen allele CA452753298.

ClinVar aggregate classification (germline): Uncertain significance (1 of 4 stars; one submission).

gnomAD v4.1: 2 of 1,613,756 alleles (0.00012%); highest among the groups gnomAD compares: East Asian, 0.0045%; no homozygotes.

Submission:

Women's Health and Genetics/Laboratory Corporation of America, LabCorp
Classification: Uncertain significance. Last evaluated: 2023-07-13. Review status: criteria provided, single submitter. Criteria: LabCorp Variant Classification Summary - May 2015. Collection method: clinical testing. Allele origin: germline.
Comment: Variant summary: SYNE1 c.225G>C (p.Leu75Leu) alters a conserved nucleotide located close to a canonical splice site and therefore could affect mRNA splicing, leading to a significantly altered protein sequence. Several computational tools predict a significant impact on normal splicing: Four predict the variant weakens a 5' donor site. However, these predictions have yet to be confirmed by functional studies. The variant allele was found at a frequency of 8e-06 in 250820 control chromosomes. The available data on variant occurrences in the general population are insufficient to allow any conclusion about variant significance. To our knowledge, no occurrence of c.225G>C in individuals affected with Emery-Dreifuss Muscular Dystrophy 4, Autosomal Dominant and no experimental evidence demonstrating its impact on protein function have been reported. No submitters have cited clinical-significance assessments for this variant to ClinVar after 2014. Based on the evidence outlined above, the variant was classified as uncertain significance.